The following is an entry in ClinVar:

NM_173651.4(FSIP2):c.10391-4T>C

Genes: FSIP2-AS1 (FSIP2 antisense RNA 1; minus strand), FSIP2 (fibrous sheath interacting protein 2; plus strand). Cytogenetic location: 2q32.1.
Variant type: single nucleotide variant.
Coding change: c.10391-4T>C on transcript NM_173651.4 (MANE Select); 4 bases into the intron before coding-DNA position 10391, T replaced by C.
Molecular consequence: intron variant.
Genome position (GRCh38, 1-based): chr2:185,799,693, T>C. VCF-style: chr2-185799693-T-C. GRCh37 (hg19) VCF-style: chr2-186664420-T-C.
Identifiers: ClinVar variation 2571111 (VCV002571111.27), dbSNP rs555925117, ClinGen allele CA61752315.

ClinVar aggregate classification (germline): Uncertain significance (1 of 4 stars; one submission).

Allele frequency attached by ClinVar (database versions not stated): 1000 Genomes Project 30x 0.00016; TOPMed 0.00018; 1000 Genomes Project 0.00020; gnomAD 0.00024; gnomAD exomes 0.00027.
gnomAD v4.1: 322 of 1,237,332 alleles (0.026%); highest among the groups gnomAD compares: Non-Finnish European, 0.034%; no homozygotes.

Submission:

CeGaT Center for Human Genetics Tuebingen
Classification: Uncertain significance. Last evaluated: 2023-05-01. Review status: criteria provided, single submitter. Criteria: CeGaT Center For Human Genetics Tuebingen Variant Classification Criteria Version 2. Collection method: clinical testing. Allele origin: germline. Affected: yes. Observed: 1 variant allele.
Comment: FSIP2: PM2, BP4